The following is an entry in ClinVar:

ClinVar aggregate classification (germline): Pathogenic (1 of 4 stars; one submission).

Conditions:
Bardet-Biedl syndrome (BBS). Identifiers: Orphanet 110, MedGen C0752166, MONDO:0015229.
McKusick-Kaufman syndrome (MKKS). Also called: HYDROMETROCOLPOS SYNDROME; HYDROMETROCOLPOS, POSTAXIAL POLYDACTYLY, AND CONGENITAL HEART MALFORMATION. Identifiers: Orphanet 2473, MedGen C0948368, MONDO:0009367, OMIM 236700.

Submission:

Labcorp Genetics (formerly Invitae), Labcorp
Classification: Pathogenic for McKusick-Kaufman syndrome; Bardet-Biedl syndrome. Last evaluated: 2022-03-29. Review status: criteria provided, single submitter. Criteria: Invitae Variant Classification Sherloc (09022015). Collection method: clinical testing. Allele origin: germline.
Comment: This sequence change creates a premature translational stop signal (p.Trp383*) in the MKKS gene. It is expected to result in an absent or disrupted protein product. Loss-of-function variants in MKKS are known to be pathogenic (PMID: 11179009, 28761321, 30614526). This variant is not present in population databases (gnomAD no frequency). This variant has not been reported in the literature in individuals affected with MKKS-related conditions. For these reasons, this variant has been classified as Pathogenic.

Literature cited by the submitters: PubMed 11179009; PubMed 28761321; PubMed 30614526.

NM_170784.3(MKKS):c.1149G>A (p.Trp383Ter)

Gene: MKKS (MKKS centrosomal shuttling protein; minus strand). Cytogenetic location: 20p12.2.
Variant type: single nucleotide variant.
Coding change: c.1149G>A on transcript NM_170784.3 (MANE Select); coding-DNA position 1149, G replaced by A.
Protein change: p.Trp383Ter; replaces tryptophan 383 with a stop codon.
Molecular consequence: nonsense. On other transcripts: non-coding transcript variant (1).
Genome position (GRCh38, 1-based): chr20:10,408,640, C>T on the plus strand (G>A on the coding strand, the complement: MKKS is on the minus strand). VCF-style: chr20-10408640-C-T. GRCh37 (hg19) VCF-style: chr20-10389288-C-T.
Other names: c.1149G>A, p.Trp383Ter (NM_018848.3); short protein forms W383*.
Identifiers: ClinVar variation 2119610 (VCV002119610.4), dbSNP rs2514490284, ClinGen allele CA408231553.
Genomic context (GRCh38, chr20:10,408,640, plus strand): 5'-AATTCCTCCCTCAGCCTCTGCATATGGAATTCAAAGTTCATTACCTACCTTCAGCTCATC[C>T]CAGGCAGTGTCATTTCTGTTGCAGAGAAGCAAGCTGCAGATTGTTGCTTCATTAGGAATA-3'